The following is an entry in ClinVar:

NM_001232.4(CASQ2):c.784-1G>A

Gene: CASQ2 (calsequestrin 2; minus strand). Cytogenetic location: 1p13.1.
Variant type: single nucleotide variant.
Coding change: c.784-1G>A on transcript NM_001232.4 (MANE Select); the canonical splice acceptor site of the intron before coding-DNA position 784, G replaced by A.
Molecular consequence: splice acceptor variant.
Genome position (GRCh38, 1-based): chr1:115,717,895, C>T on the plus strand (G>A on the coding strand, the complement: CASQ2 is on the minus strand). VCF-style: chr1-115717895-C-T. GRCh37 (hg19) VCF-style: chr1-116260516-C-T.
Identifiers: ClinVar variation 2914884 (VCV002914884.3), dbSNP rs773769524, ClinGen allele CA1023736.

ClinVar aggregate classification (germline): Likely pathogenic (1 of 4 stars; one submission).

Conditions:
Catecholaminergic polymorphic ventricular tachycardia 1. Also called: VENTRICULAR TACHYCARDIA, CATECHOLAMINERGIC POLYMORPHIC, 1, WITH OR WITHOUT ATRIAL DYSFUNCTION AND/OR DILATED CARDIOMYOPATHY; VENTRICULAR TACHYCARDIA, STRESS-INDUCED POLYMORPHIC 1; RYR2-Related Catecholaminergic Polymorphic Ventricular Tachycardia. Identifiers: Orphanet 3286, MedGen C1631597, MONDO:0011484, OMIM 604772.

Allele frequency attached by ClinVar (database versions not stated): gnomAD exomes below 0.00001; ExAC 0.00001.
gnomAD v4.1: 1 of 1,607,100 alleles (0.000062%); highest among the groups gnomAD compares: East Asian, 0.0022%; no homozygotes.

Submission:

Labcorp Genetics (formerly Invitae), Labcorp
Classification: Likely pathogenic for Catecholaminergic polymorphic ventricular tachycardia 1. Last evaluated: 2023-07-22. Review status: criteria provided, single submitter. Criteria: Invitae Variant Classification Sherloc (09022015). Collection method: clinical testing. Allele origin: germline.
Comment: In summary, the currently available evidence indicates that the variant is pathogenic, but additional data are needed to prove that conclusively. Therefore, this variant has been classified as Likely Pathogenic. Algorithms developed to predict the effect of sequence changes on RNA splicing suggest that this variant may disrupt the consensus splice site. This sequence change affects an acceptor splice site in intron 7 of the CASQ2 gene. It is expected to disrupt RNA splicing. Variants that disrupt the donor or acceptor splice site typically lead to a loss of protein function (PMID: 16199547), and loss-of-function variants in CASQ2 are known to be pathogenic (PMID: 12386154). This variant is present in population databases (rs773769524, gnomAD 0.006%). This variant has not been reported in the literature in individuals affected with CASQ2-related conditions.

Literature cited by the submitters: PubMed 16199547; PubMed 12386154.